The following is an entry in ClinVar:

ClinVar aggregate classification (germline): Likely benign (0 of 4 stars; one submission).

Conditions:
NR0B2-related disorder. Also called: NR0B2-related condition.

gnomAD v4.1: 1 of 1,614,040 alleles (0.000062%); highest among the groups gnomAD compares: South Asian, 0.0011%; no homozygotes.

Submission:

PreventionGenetics, part of Exact Sciences
Classification: Likely benign for NR0B2-related condition. Last evaluated: 2022-08-05. Review status: no assertion criteria provided. Collection method: clinical testing. Allele origin: germline.
Comment: This variant is classified as likely benign based on ACMG/AMP sequence variant interpretation guidelines (Richards et al. 2015 PMID: 25741868, with internal and published modifications).

NM_021969.3(NR0B2):c.561C>T (p.His187=)

Genes: NR0B2 (nuclear receptor subfamily 0 group B member 2; minus strand), NUDC (nuclear distribution C, dynein complex regulator; plus strand). Cytogenetic location: 1p36.11.
Variant type: single nucleotide variant.
Coding change: c.561C>T on transcript NM_021969.3 (MANE Select); coding-DNA position 561, C replaced by T.
Protein change: p.His187=; no amino-acid change (histidine 187 retained).
Molecular consequence: synonymous variant.
Genome position (GRCh38, 1-based): chr1:26,912,058, G>A on the plus strand (C>T on the coding strand, the complement: NR0B2 is on the minus strand). VCF-style: chr1-26912058-G-A. GRCh37 (hg19) VCF-style: chr1-27238549-G-A.
Identifiers: ClinVar variation 3353518 (VCV003353518.1).
Genomic context (GRCh38, chr1:26,912,058, plus strand): 5'-GCACCAGGGTTCCAGGACTTCACACAGCACCCAGTGAGCCTCCTGCTGCAGGTGCCCAAT[G>A]TGGGAGGCGGCTTGGAGGCCTGGCACATCTGTGGGCAGAGAGGGAGAAGAGGGCTGGTGA-3'
Protein context (NP_068804.1, residues 177-197): PDVPGLQAAS[His187=]IGHLQQEAHW